The following is an entry in ClinVar:

NM_173841.3(IL1RN):c.28G>C (p.Gly10Arg)

Gene: IL1RN (interleukin 1 receptor antagonist; plus strand). Cytogenetic location: 2q14.1.
Variant type: single nucleotide variant.
Coding change: c.28G>C on transcript NM_173841.3; coding-DNA position 28, G replaced by C.
Protein change: p.Gly10Arg; replaces glycine 10 with arginine.
Molecular consequence: missense variant. On other transcripts: 5 prime UTR variant (1), intron variant (2).
Genome position (GRCh38, 1-based): chr2:113,120,083, G>C. VCF-style: chr2-113120083-G-C. GRCh37 (hg19) VCF-style: chr2-113877660-G-C.
Other names: c.-255G>C (NM_001318914.2); c.-209-1365G>C (NM_173843.3); c.10+2055G>C (NM_000577.5); short protein forms G10R.
Identifiers: ClinVar variation 567545 (VCV000567545.9), dbSNP rs770976676, ClinGen allele CA1838716.

ClinVar aggregate classification (germline): Uncertain significance (1 of 4 stars; one submission).

Conditions:
Sterile multifocal osteomyelitis with periostitis and pustulosis. Also called: CHRONIC RECURRENT MULTIFOCAL OSTEOMYELITIS 2, WITH PERIOSTITIS AND PUSTULOSIS. Identifiers: Orphanet 210115, MedGen C2748507, MONDO:0013021, OMIM 612852.

Allele frequency attached by ClinVar (database versions not stated): gnomAD 0.00001; ExAC 0.00002; TOPMed 0.00002; gnomAD exomes 0.00001 and 0.00003.
gnomAD v4.1: 9 of 1,613,246 alleles (0.00056%); highest among the groups gnomAD compares: Admixed American, 0.0083%; no homozygotes.

Submission:

Labcorp Genetics (formerly Invitae), Labcorp
Classification: Uncertain significance for Sterile multifocal osteomyelitis with periostitis and pustulosis. Last evaluated: 2022-01-02. Review status: criteria provided, single submitter. Criteria: Invitae Variant Classification Sherloc (09022015). Collection method: clinical testing. Allele origin: germline.
Comment: This sequence change replaces glycine, which is neutral and non-polar, with arginine, which is basic and polar, at codon 10 of the IL1RN protein (p.Gly10Arg). This variant is present in population databases (rs770976676, gnomAD 0.02%). This variant has not been reported in the literature in individuals affected with IL1RN-related conditions. ClinVar contains an entry for this variant (Variation ID: 567545). Algorithms developed to predict the effect of missense changes on protein structure and function output the following: SIFT: "Deleterious"; PolyPhen-2: "Not Available"; Align-GVGD: "Class C0". The arginine amino acid residue is found in multiple mammalian species, which suggests that this missense change does not adversely affect protein function. In summary, the available evidence is currently insufficient to determine the role of this variant in disease. Therefore, it has been classified as a Variant of Uncertain Significance.